The following is an entry in ClinVar:

ClinVar aggregate classification (germline): Uncertain significance (1 of 4 stars; one submission).

Conditions:
Mevalonic aciduria (MEVA). Identifiers: Orphanet 29, MedGen C1959626, MONDO:0012481, OMIM 610377.
Hyperimmunoglobulin D with periodic fever (HIDS). Also called: Hyperimmunoglobulinemia D with periodic fever; Hyperimmunoglobulinemia D; HYPERIMMUNOGLOBULINEMIA D AND PERIODIC FEVER SYNDROME. Identifiers: Orphanet 343, MedGen C0398691, MONDO:0009849, OMIM 260920.
Porokeratosis 3, disseminated superficial actinic type (POROK3). Also called: POROKERATOSIS 3, MULTIPLE TYPES; POROKERATOSIS 3, MIBELLI TYPE; POROKERATOSIS, DISSEMINATED SUPERFICIAL ACTINIC, 1. Identifiers: MedGen C1867981, MONDO:0008293, OMIM 175900.

Allele frequency attached by ClinVar (database versions not stated): TOPMed below 0.00001.
gnomAD v4.1: 1 of 1,612,546 alleles (0.000062%); highest among the groups gnomAD compares: Admixed American, 0.0017%; no homozygotes.

Submission:

Labcorp Genetics (formerly Invitae), Labcorp
Classification: Uncertain significance for Mevalonic aciduria; Hyperimmunoglobulin D with periodic fever; Porokeratosis 3, disseminated superficial actinic type. Last evaluated: 2022-02-09. Review status: criteria provided, single submitter. Criteria: Invitae Variant Classification Sherloc (09022015). Collection method: clinical testing. Allele origin: germline.
Comment: In summary, the available evidence is currently insufficient to determine the role of this variant in disease. Therefore, it has been classified as a Variant of Uncertain Significance. This sequence change falls in intron 5 of the MVK gene. It does not directly change the encoded amino acid sequence of the MVK protein. It affects a nucleotide within the consensus splice site. This variant is present in population databases (no rsID available, gnomAD 0.003%). This variant has not been reported in the literature in individuals affected with MVK-related conditions. Variants that disrupt the consensus splice site are a relatively common cause of aberrant splicing (PMID: 17576681, 9536098). Algorithms developed to predict the effect of sequence changes on RNA splicing suggest that this variant is not likely to affect RNA splicing.

Literature cited by the submitters: PubMed 17576681; PubMed 9536098.

NM_000431.4(MVK):c.528-3C>T

Gene: MVK (mevalonate kinase; plus strand). Cytogenetic location: 12q24.11.
Variant type: single nucleotide variant.
Coding change: c.528-3C>T on transcript NM_000431.4 (MANE Select); 3 bases into the intron before coding-DNA position 528, C replaced by T.
Molecular consequence: intron variant.
Genome position (GRCh38, 1-based): chr12:109,586,019, C>T. VCF-style: chr12-109586019-C-T. GRCh37 (hg19) VCF-style: chr12-110023824-C-T.
Other names: c.372-3C>T (NM_001301182.2); c.528-3C>T (NM_001114185.3).
Identifiers: ClinVar variation 2095719 (VCV002095719.4), dbSNP rs1171617623, ClinGen allele CA607287992.